The following is an entry in ClinVar:

NM_001261826.3(AP3D1):c.3202T>G (p.Phe1068Val)

Gene: AP3D1 (adaptor related protein complex 3 subunit delta 1; minus strand). Cytogenetic location: 19p13.3.
Variant type: single nucleotide variant.
Coding change: c.3202T>G on transcript NM_001261826.3 (MANE Select); coding-DNA position 3202, T replaced by G.
Protein change: p.Phe1068Val; replaces phenylalanine 1068 with valine.
Molecular consequence: missense variant.
Genome position (GRCh38, 1-based): chr19:2,110,198, A>C on the plus strand (T>G on the coding strand, the complement: AP3D1 is on the minus strand). VCF-style: chr19-2110198-A-C. GRCh37 (hg19) VCF-style: chr19-2110197-A-C.
Other names: c.3166T>G, p.Phe1056Val (NM_001374799.1); c.3016T>G, p.Phe1006Val (NM_003938.8); c.3016T>G (NM_003938.5); short protein forms F1056V, F1006V, F1068V.
Identifiers: ClinVar variation 1478189 (VCV001478189.9), dbSNP rs373030016, ClinGen allele CA9058509.

ClinVar aggregate classification (germline): Uncertain significance. Review status: criteria provided, multiple submitters, no conflicts (2 of 4 stars). 2 submissions from 2 submitters: Uncertain significance (2). Last evaluated 2025-02-14.

Conditions:
Inborn genetic diseases. Identifiers: MedGen C0950123, MeSH D030342.

Allele frequency attached by ClinVar (database versions not stated): ExAC 0.00001; gnomAD 0.00001; gnomAD exomes 0.00002 and 0.00004; TOPMed 0.00002; ESP Exome Variant Server 0.00008.

Submissions (2):

Ambry Genetics
Classification: Uncertain significance for Inborn genetic diseases. Last evaluated: 2025-02-14. Review status: criteria provided, single submitter. Criteria: Ambry Variant Classification Scheme 2023. Collection method: clinical testing. Allele origin: germline.

Labcorp Genetics (formerly Invitae), Labcorp
Classification: Uncertain significance. Last evaluated: 2021-05-03. Review status: criteria provided, single submitter. Criteria: Invitae Variant Classification Sherloc (09022015). Collection method: clinical testing. Allele origin: germline.
Comment: In summary, the available evidence is currently insufficient to determine the role of this variant in disease. Therefore, it has been classified as a Variant of Uncertain Significance. Algorithms developed to predict the effect of missense changes on protein structure and function (SIFT, PolyPhen-2, Align-GVGD) all suggest that this variant is likely to be tolerated, but these predictions have not been confirmed by published functional studies and their clinical significance is uncertain. This variant has not been reported in the literature in individuals with AP3D1-related conditions. This variant is present in population databases (rs373030016, ExAC 0.002%). This sequence change replaces phenylalanine with valine at codon 1068 of the AP3D1 protein (p.Phe1068Val). The phenylalanine residue is moderately conserved and there is a small physicochemical difference between phenylalanine and valine.